The following is an entry in ClinVar:

ClinVar aggregate classification (germline): Likely benign. Review status: criteria provided, single submitter (1 of 4 stars). 2 submissions from 2 submitters: Likely benign (1). 1 of the submissions does not count toward it. Last evaluated 2026-07-01.

Conditions:
TUBA4A-related disorder. Also called: TUBA4A-related condition.

Allele frequency attached by ClinVar (database versions not stated): ExAC 0.00002; gnomAD 0.00003; TOPMed 0.00005; gnomAD exomes 0.00006; ESP Exome Variant Server 0.00015.
gnomAD v4.1: 98 of 1,614,048 alleles (0.0061%); highest among the groups gnomAD compares: Non-Finnish European, 0.0075%; no homozygotes.

Submissions (2):

CeGaT Center for Human Genetics Tuebingen
Classification: Likely benign. Last evaluated: 2026-07-01. Review status: criteria provided, single submitter. Criteria: CeGaT Center For Human Genetics Tuebingen Variant Classification Criteria Version 2. Collection method: clinical testing. Allele origin: germline. Affected: yes. Observed: 1 variant allele.
Comment: TUBA4A: BP4, BP7

PreventionGenetics, part of Exact Sciences
Classification: Likely benign for TUBA4A-related condition. Last evaluated: 2023-01-27. Review status: no assertion criteria provided. Collection method: clinical testing. Allele origin: germline. Not counted in ClinVar's aggregate classification.
Comment: This variant is classified as likely benign based on ACMG/AMP sequence variant interpretation guidelines (Richards et al. 2015 PMID: 25741868, with internal and published modifications).

NM_006000.3(TUBA4A):c.849C>T (p.His283=)

Gene: TUBA4A (tubulin alpha 4a; minus strand). Cytogenetic location: 2q35.
Variant type: single nucleotide variant.
Coding change: c.849C>T on transcript NM_006000.3 (MANE Select); coding-DNA position 849, C replaced by T.
Protein change: p.His283=; no amino-acid change (histidine 283 retained).
Molecular consequence: synonymous variant.
Genome position (GRCh38, 1-based): chr2:219,250,850, G>A on the plus strand (C>T on the coding strand, the complement: TUBA4A is on the minus strand). VCF-style: chr2-219250850-G-A. GRCh37 (hg19) VCF-style: chr2-220115572-G-A.
Other names: c.804C>T, p.His268= (NM_001278552.2).
Identifiers: ClinVar variation 3045710 (VCV003045710.3), dbSNP rs149475041, ClinGen allele CA2122414.